The following is an entry in ClinVar:

ClinVar aggregate classification (germline): Conflicting classifications of pathogenicity. Review status: criteria provided, conflicting classifications (1 of 4 stars). 5 submissions from 5 submitters: Uncertain significance (3); Likely benign (2). Last evaluated 2026-05-19.

Conditions:
Ehlers-Danlos syndrome, kyphoscoliotic type 1 (EDSKSCL1). Also called: EHLERS-DANLOS SYNDROME, TYPE VIA; PLOD1-Related Kyphoscoliotic Ehlers-Danlos Syndrome; EHLERS-DANLOS SYNDROME, OCULAR-SCOLIOTIC TYPE; Ehlers-Danlos syndrome, hydroxylysine-deficient. Identifiers: Orphanet 1900, MedGen C0268342, MONDO:0016002, OMIM 225400. Disease mechanism: loss of function.
Familial thoracic aortic aneurysm and aortic dissection (TAAD). Also called: Thoracic aortic aneurysms and dissections. Identifiers: Orphanet 91387, MedGen C4707243, MONDO:0019625.

Allele frequency attached by ClinVar (database versions not stated): gnomAD 0.00004 and 0.00007; TOPMed 0.00006; ExAC 0.00007; gnomAD exomes 0.00008.
gnomAD v4.1: 213 of 1,613,286 alleles (0.013%); highest among the groups gnomAD compares: East Asian, 0.27%; no homozygotes.

Submissions (5):

Women's Health and Genetics/Laboratory Corporation of America, LabCorp
Classification: Likely benign. Last evaluated: 2026-05-19. Review status: criteria provided, single submitter. Criteria: LabCorp Variant Classification Summary - May 2015. Collection method: clinical testing. Allele origin: germline.
Comment: Variant summary: PLOD1 c.1388G>A (p.Arg463Gln) results in a conservative amino acid change in the encoded protein sequence. Algorithms developed to predict the effect of missense changes on protein structure and function are either unavailable or do not agree on the potential impact of this missense change. The variant allele was found at a frequency of 0.00013 in 1613286 control chromosomes, predominantly at a frequency of 0.0027 within the East Asian subpopulation in the gnomAD database. The observed variant frequency within East Asian control individuals in the gnomAD database exceeds the estimated maximal expected allele frequency for disease-causing variants in PLOD1. c.1388G>A has been observed in one individual affected with non-syndromic Aortic aneurysm and/or dissection (Sakai_2011). This report does not provide unequivocal conclusions about association of the variant with disease. To our knowledge, no experimental evidence demonstrating an impact on protein function has been reported. The following publication have been ascertained in the context of this evaluation (PMID: 22001912). ClinVar contains an entry for this variant (Variation ID: 292294). Based on the evidence outlined above, the variant was classified as likely benign.

Labcorp Genetics (formerly Invitae), Labcorp
Classification: Likely benign for Ehlers-Danlos syndrome, kyphoscoliotic type 1. Last evaluated: 2025-12-29. Review status: criteria provided, single submitter. Criteria: Invitae Variant Classification Sherloc (09022015). Collection method: clinical testing. Allele origin: germline.

GeneDx
Classification: Uncertain significance. Last evaluated: 2024-05-14. Review status: criteria provided, single submitter. Criteria: GeneDx Variant Classification Process June 2021. Collection method: clinical testing. Allele origin: germline. Affected: yes.
Comment: Has been reported in an individual with abdominal aortic dissection (PMID: 22001912); In silico analysis supports that this missense variant has a deleterious effect on protein structure/function; This variant is associated with the following publications: (PMID: 26582918, 27535533, 22001912)

Ambry Genetics
Classification: Uncertain significance for Familial thoracic aortic aneurysm and aortic dissection. Last evaluated: 2022-04-27. Review status: criteria provided, single submitter. Criteria: Ambry Variant Classification Scheme 2023. Collection method: clinical testing. Allele origin: germline.
Comment: The p.R463Q variant (also known as c.1388G>A), located in coding exon 13 of the PLOD1 gene, results from a G to A substitution at nucleotide position 1388. The arginine at codon 463 is replaced by glutamine, an amino acid with highly similar properties. This amino acid position is highly conserved in available vertebrate species. In addition, the in silico prediction for this alteration is inconclusive. Since supporting evidence is limited at this time, the clinical significance of this alteration remains unclear.

Illumina Laboratory Services, Illumina
Classification: Uncertain significance for Ehlers-Danlos syndrome, kyphoscoliotic type 1. Last evaluated: 2018-01-13. Review status: criteria provided, single submitter. Criteria: ICSL Variant Classification Criteria 13 December 2019. Collection method: clinical testing. Allele origin: germline.

Literature cited by the submitters: PubMed 22001912 (cited by Women's Health and Genetics/Laboratory Corporation of America, LabCorp and Ambry Genetics).

NM_000302.4(PLOD1):c.1388G>A (p.Arg463Gln)

Gene: PLOD1 (procollagen-lysine,2-oxoglutarate 5-dioxygenase 1; plus strand). Cytogenetic location: 1p36.22.
Variant type: single nucleotide variant.
Coding change: c.1388G>A on transcript NM_000302.4 (MANE Select); coding-DNA position 1388, G replaced by A.
Protein change: p.Arg463Gln; replaces arginine 463 with glutamine.
Molecular consequence: missense variant.
Genome position (GRCh38, 1-based): chr1:11,964,703, G>A. VCF-style: chr1-11964703-G-A. GRCh37 (hg19) VCF-style: chr1-12024760-G-A.
Other names: c.1529G>A, p.Arg510Gln (NM_001316320.2); short protein forms R463Q, R510Q.
Identifiers: ClinVar variation 292294 (VCV000292294.15), dbSNP rs750100311, ClinGen allele CA598382.
Genomic context (GRCh38, chr1:11,964,703, plus strand): 5'-GTGGTGTCTGGAATGTGCCCTATATTTCAAACATCTACTTGATCAAGGGCAGTGCCCTGC[G>A]GGGTGAGCTGCAGTCCTCAGATCTCTTCCACCACAGCAAGCTGGACCCCGACATGGCCTT-3'
Protein context (NP_000293.2, residues 453-473): NIYLIKGSAL[Arg463Gln]GELQSSDLFH